The following is an entry in ClinVar:

NM_004370.6(COL12A1):c.8577+1G>A

Gene: COL12A1 (collagen type XII alpha 1 chain; minus strand). Cytogenetic location: 6q13.
Variant type: single nucleotide variant.
Coding change: c.8577+1G>A on transcript NM_004370.6 (MANE Select); the canonical splice donor site of the intron after coding-DNA position 8577, G replaced by A.
Molecular consequence: splice donor variant.
Genome position (GRCh38, 1-based): chr6:75,097,252, C>T on the plus strand (G>A on the coding strand, the complement: COL12A1 is on the minus strand). VCF-style: chr6-75097252-C-T. GRCh37 (hg19) VCF-style: chr6-75806968-C-T.
Other names: c.5085+1G>A (NM_001424116.1, NM_080645.3); c.8304+1G>A (NM_001424115.1); c.8556+1G>A (NM_001424114.1); c.8577+1G>A (NM_001424113.1).
Identifiers: ClinVar variation 3730856 (VCV003730856.1).

ClinVar aggregate classification (germline): Likely pathogenic (1 of 4 stars; one submission).

Submission:

GeneDx
Classification: Likely pathogenic. Last evaluated: 2024-08-13. Review status: criteria provided, single submitter. Criteria: GeneDx Variant Classification Process June 2021. Collection method: clinical testing. Allele origin: germline. Affected: yes.
Comment: Not observed at significant frequency in large population cohorts (gnomAD); Canonical splice site variant with an unclear effect on protein function; Has not been previously published as pathogenic or benign to our knowledge